The following is an entry in ClinVar:

ClinVar aggregate classification (germline): Likely benign (1 of 4 stars; one submission).

Conditions:
Glucocorticoid deficiency 2 (GCCD2). Also called: FAMILIAL GLUCOCORTICOID DEFICIENCY 2. Identifiers: Orphanet 361, MedGen C4049714, MONDO:0011826, OMIM 607398.

Allele frequency attached by ClinVar (database versions not stated): gnomAD exomes 0.00017 and 0.00050; gnomAD 0.00021 and 0.00026; TOPMed 0.00026; ExAC 0.00045; 1000 Genomes Project 30x 0.00141; 1000 Genomes Project 0.00160.
gnomAD v4.1: 344 of 1,613,706 alleles (0.021%); highest among the groups gnomAD compares: East Asian, 0.42%; 2 homozygotes.

Submission:

Illumina Laboratory Services, Illumina
Classification: Likely benign for Glucocorticoid deficiency 2. Last evaluated: 2018-01-13. Review status: criteria provided, single submitter. Criteria: ICSL Variant Classification Criteria 13 December 2019. Collection method: clinical testing. Allele origin: germline.
Comment: This variant was observed in the ICSL laboratory as part of a predisposition screen in an ostensibly healthy population. It had not been previously curated by ICSL or reported in the Human Gene Mutation Database (HGMD: prior to June 1st, 2018), and was therefore a candidate for classification through an automated scoring system. Utilizing variant allele frequency, disease prevalence and penetrance estimates, and inheritance mode, an automated score was calculated to assess if this variant is too frequent to cause the disease. Based on the score and internal cut-off values, a variant classified as likely benign is not then subjected to further curation. The score for this variant resulted in a classification of likely benign for this disease.

NM_001379228.1(MRAP):c.446A>G (p.Asn149Ser)

Genes: URB1 (URB1 ribosome biogenesis factor; minus strand), MRAP (melanocortin 2 receptor accessory protein; plus strand). Cytogenetic location: 21q22.11.
Variant type: single nucleotide variant.
Coding change: c.446A>G on transcript NM_001379228.1 (MANE Select); coding-DNA position 446, A replaced by G.
Protein change: p.Asn149Ser; replaces asparagine 149 with serine.
Molecular consequence: missense variant. On other transcripts: 3 prime UTR variant (1), intron variant (1).
Genome position (GRCh38, 1-based): chr21:32,311,923, A>G. VCF-style: chr21-32311923-A-G. GRCh37 (hg19) VCF-style: chr21-33684234-A-G.
Other names: c.269A>G, p.Asn90Ser (NM_001285394.2); c.446A>G, p.Asn149Ser (NM_178817.4); c.*2995T>C (NM_014825.3); c.207-2628A>G (NM_206898.2); short protein forms N149S, N90S.
Identifiers: ClinVar variation 339684 (VCV000339684.5), dbSNP rs200448756, ClinGen allele CA10001059.